The following is an entry in ClinVar:

ClinVar aggregate classification (germline): Benign. Review status: criteria provided, single submitter (1 of 4 stars). 2 submissions from 2 submitters: Benign (1). 1 of the submissions does not count toward it. Last evaluated 2025-12-18.

Conditions:
Charcot-Marie-Tooth disease X-linked dominant 6. Also called: CHARCOT-MARIE-TOOTH NEUROPATHY, X-LINKED DOMINANT, 6. Identifiers: Orphanet 352675, MedGen C3806702, MONDO:0010479, OMIM 300905.
PDK3-related disorder. Also called: PDK3-related condition.

Allele frequency attached by ClinVar (database versions not stated): gnomAD 0.00001 and 0.00024; TOPMed 0.00006; 1000 Genomes Project 30x 0.00187; 1000 Genomes Project 0.00212.
gnomAD v4.1: 544 of 1,208,786 alleles (0.045%); highest among the groups gnomAD compares: South Asian, 0.91%; 4 homozygotes.

Submissions (2):

Labcorp Genetics (formerly Invitae), Labcorp
Classification: Benign for Charcot-Marie-Tooth disease X-linked dominant 6. Last evaluated: 2025-12-18. Review status: criteria provided, single submitter. Criteria: Invitae Variant Classification Sherloc (09022015). Collection method: clinical testing. Allele origin: germline.

PreventionGenetics, part of Exact Sciences
Classification: Benign for PDK3-related condition. Last evaluated: 2019-05-10. Review status: no assertion criteria provided. Collection method: clinical testing. Allele origin: germline. Not counted in ClinVar's aggregate classification.
Comment: This variant is classified as benign based on ACMG/AMP sequence variant interpretation guidelines (Richards et al. 2015 PMID: 25741868, with internal and published modifications).

NM_005391.5(PDK3):c.51G>C (p.Glu17Asp)

Gene: PDK3 (pyruvate dehydrogenase kinase 3; plus strand). Cytogenetic location: Xp22.11.
Variant type: single nucleotide variant.
Coding change: c.51G>C on transcript NM_005391.5 (MANE Select); coding-DNA position 51, G replaced by C.
Protein change: p.Glu17Asp; replaces glutamic acid 17 with aspartic acid.
Molecular consequence: missense variant.
Genome position (GRCh38, 1-based): chrX:24,465,506, G>C. VCF-style: chrX-24465506-G-C. GRCh37 (hg19) VCF-style: chrX-24483623-G-C.
Other names: c.51G>C, p.Glu17Asp (NM_001142386.3); short protein forms E17D.
Identifiers: ClinVar variation 474053 (VCV000474053.12), dbSNP rs371137355, ClinGen allele CA10372220.